The following is an entry in ClinVar:

NM_015338.6(ASXL1):c.1342C>T (p.Leu448Phe)

Gene: ASXL1 (ASXL transcriptional regulator 1; plus strand). Cytogenetic location: 20q11.21.
Variant type: single nucleotide variant.
Coding change: c.1342C>T on transcript NM_015338.6 (MANE Select); coding-DNA position 1342, C replaced by T.
Protein change: p.Leu448Phe; replaces leucine 448 with phenylalanine.
Molecular consequence: missense variant.
Genome position (GRCh38, 1-based): chr20:32,433,540, C>T. VCF-style: chr20-32433540-C-T. GRCh37 (hg19) VCF-style: chr20-31021343-C-T.
Other names: c.1159C>T, p.Leu387Phe (NM_001363734.1); short protein forms L387F, L448F.
Identifiers: ClinVar variation 4827424 (VCV004827424.1).
Genomic context (GRCh38, chr20:32,433,540, plus strand): 5'-CAGGAGTCAGAACAAGCAGGGGTTGCTAAGGATGCAAAATCTGTGGCCTCAGATGTTCCC[C>T]TCTACAAGGATGGGGAGGCTAAGACTGACCCAGCAGGGCTGAGCAGTCCCCATCTGCCAG-3'
Protein context (NP_056153.2, residues 438-458): DAKSVASDVP[Leu448Phe]YKDGEAKTDP

ClinVar aggregate classification (germline): Uncertain significance (1 of 4 stars; one submission).

Conditions:
Inborn genetic diseases. Identifiers: MedGen C0950123, MeSH D030342.

Submission:

Ambry Genetics
Classification: Uncertain significance for Inborn genetic diseases. Last evaluated: 2026-03-09. Review status: criteria provided, single submitter. Criteria: Ambry Variant Classification Scheme 2023. Collection method: clinical testing. Allele origin: germline.
Comment: The p.L448F variant (also known as c.1342C>T), located in coding exon 12 of the ASXL1 gene, results from a C to T substitution at nucleotide position 1342. The leucine at codon 448 is replaced by phenylalanine, an amino acid with highly similar properties. This amino acid position is conserved. In addition, this alteration is predicted to be tolerated by in silico analysis. Based on the available evidence, the clinical significance of this variant remains unclear.